The following is an entry in ClinVar:

NM_007294.4(BRCA1):c.3035G>C (p.Arg1012Thr)

Gene: BRCA1 (BRCA1 DNA repair associated; minus strand). Cytogenetic location: 17q21.31.
Variant type: single nucleotide variant.
Coding change: c.3035G>C on transcript NM_007294.4 (MANE Select); coding-DNA position 3035, G replaced by C.
Protein change: p.Arg1012Thr; replaces arginine 1012 with threonine.
Molecular consequence: missense variant. On other transcripts: intron variant (137).
Genome position (GRCh38, 1-based): chr17:43,092,496, C>G on the plus strand (G>C on the coding strand, the complement: BRCA1 is on the minus strand). VCF-style: chr17-43092496-C-G. GRCh37 (hg19) VCF-style: chr17-41244513-C-G.
Other names: c.788-1464G>C (NM_001407990.1, NM_007299.4, NM_001407974.1 and 17 more transcripts); c.788-357G>C (NM_001407969.1, NM_001407968.1); c.578-1464G>C (NM_001408492.1, NM_001408513.1, NM_001408489.1 and 9 more transcripts); c.644-1464G>C (NM_001408468.1, NM_001408465.1, NM_001408463.1 and 3 more transcripts); c.524-1464G>C (NM_001408501.1, NM_001408500.1, NM_001408497.1 and 3 more transcripts); c.647-1464G>C (NM_001408455.1, NM_001408466.1, NM_001408452.1 and 11 more transcripts); c.521-1464G>C (NM_001408503.1, NM_001408505.1, NM_001408504.1); c.404-1464G>C (NM_001408511.1); and 41 more; short protein forms R1012T, R965T, R1009T, R884T, R942T, R944T, R986T, R1011T.
Identifiers: ClinVar variation 844302 (VCV000844302.24), dbSNP rs876658464, ClinGen allele CA10595923.

ClinVar aggregate classification (germline): Conflicting classifications of pathogenicity. Review status: criteria provided, conflicting classifications (1 of 4 stars). 4 submissions from 4 submitters: Uncertain significance (3); Likely benign (1). Last evaluated 2026-02-15.

Conditions:
Hereditary cancer-predisposing syndrome. Also called: Hereditary Cancer Syndrome; Neoplastic Syndromes, Hereditary; Tumor predisposition; Hereditary neoplastic syndrome. Identifiers: Orphanet 140162, MedGen C0027672, MeSH D009386, MONDO:0015356.
Hereditary breast ovarian cancer syndrome. Also called: Hereditary breast and ovarian cancer syndrome (HBOC); Hereditary breast and/or ovarian cancer syndrome; Hereditary breast and ovarian cancer syndrome; BRCA1- and BRCA2-Associated Hereditary Breast and Ovarian Cancer; Breast and ovarian cancer; Hereditary breast and ovarian cancer. Identifiers: Orphanet 145, MedGen C0677776, MeSH D061325, MONDO:0003582. Disease mechanism: loss of function.

Allele frequency attached by ClinVar (database versions not stated): gnomAD exomes below 0.00001.
gnomAD v4.1: 1 of 1,613,990 alleles (0.000062%); highest among the groups gnomAD compares: Admixed American, 0.0017%; no homozygotes.

Submissions (4):

Women's Health and Genetics/Laboratory Corporation of America, LabCorp
Classification: Uncertain significance. Last evaluated: 2026-02-15. Review status: criteria provided, single submitter. Criteria: LabCorp Variant Classification Summary - May 2015. Collection method: clinical testing. Allele origin: germline.

Labcorp Genetics (formerly Invitae), Labcorp
Classification: Uncertain significance for Hereditary breast ovarian cancer syndrome. Last evaluated: 2025-08-18. Review status: criteria provided, single submitter. Criteria: Invitae Variant Classification Sherloc (09022015). Collection method: clinical testing. Allele origin: germline.
Comment: This sequence change replaces arginine, which is basic and polar, with threonine, which is neutral and polar, at codon 1012 of the BRCA1 protein (p.Arg1012Thr). This variant is present in population databases (no rsID available, gnomAD 0.003%). This variant has not been reported in the literature in individuals affected with BRCA1-related conditions. ClinVar contains an entry for this variant (Variation ID: 844302). Invitae Evidence Modeling of protein sequence and biophysical properties (such as structural, functional, and spatial information, amino acid conservation, physicochemical variation, residue mobility, and thermodynamic stability) indicates that this missense variant is not expected to disrupt BRCA1 protein function with a negative predictive value of 80%. In summary, the available evidence is currently insufficient to determine the role of this variant in disease. Therefore, it has been classified as a Variant of Uncertain Significance.

University of Washington Department of Laboratory Medicine, University of Washington
Classification: Likely benign for Hereditary cancer-predisposing syndrome. Last evaluated: 2023-03-23. Review status: criteria provided, single submitter. Criteria: Dines et al. (Genet Med. 2020). Collection method: curation. Allele origin: germline.
Comment: Missense variant in a coldspot region where missense variants are very unlikely to be pathogenic (PMID:31911673).

BRCA1 coldspot (exon 11 using historical exon numbering). Reclassification based on statistical prior probability

Ambry Genetics
Classification: Uncertain significance for Hereditary cancer-predisposing syndrome. Last evaluated: 2019-12-27. Review status: criteria provided, single submitter. Criteria: Ambry Variant Classification Scheme 2023. Collection method: clinical testing. Allele origin: germline.
Comment: The p.R1012T variant (also known as c.3035G>C), located in coding exon 9 of the BRCA1 gene, results from a G to C substitution at nucleotide position 3035. The arginine at codon 1012 is replaced by threonine, an amino acid with similar properties. This amino acid position is not well conserved in available vertebrate species. In addition, this alteration is predicted to be tolerated by in silico analysis. Since supporting evidence is limited at this time, the clinical significance of this alteration remains unclear.